The following is an entry in ClinVar:

ClinVar aggregate classification (germline): Benign/Likely benign. Review status: criteria provided, multiple submitters, no conflicts (2 of 4 stars). 3 submissions from 3 submitters: Benign (1); Likely benign (2). Last evaluated 2025-11-20.

Conditions:
DYRK1A-related intellectual disability syndrome (MRD7). Also called: Intellectual developmental disorder, autosomal dominant 7; DYRK1A Syndrome. Identifiers: Orphanet 464306, MedGen C5568143, MONDO:0013578, OMIM 614104.
DYRK1A-related disorder.

Allele frequency attached by ClinVar (database versions not stated): ExAC 0.00029; 1000 Genomes Project 30x 0.00047; 1000 Genomes Project 0.00060; gnomAD 0.00001 and 0.00005; TOPMed 0.00003; gnomAD exomes 0.00009 and 0.00023.
gnomAD v4.1: 135 of 1,614,206 alleles (0.0084%); highest among the groups gnomAD compares: South Asian, 0.12%; 1 homozygote.

Submissions (3):

PreventionGenetics, part of Exact Sciences
Classification: Likely benign for DYRK1A-related condition. Last evaluated: 2025-11-20. Review status: criteria provided, single submitter. Criteria: ACMG Guidelines, 2015. Collection method: clinical testing. Allele origin: germline.
Comment: This variant is classified as likely benign based on ACMG/AMP sequence variant interpretation guidelines (Richards et al. 2015 PMID: 25741868, with internal and published modifications).

Labcorp Genetics (formerly Invitae), Labcorp
Classification: Benign for DYRK1A-related intellectual disability syndrome. Last evaluated: 2025-08-16. Review status: criteria provided, single submitter. Criteria: Invitae Variant Classification Sherloc (09022015). Collection method: clinical testing. Allele origin: germline.

Laboratory of Genetics, Children's Clinical University Hospital Latvia
Classification: Likely benign. Last evaluated: 2025-02-16. Review status: criteria provided, single submitter. Criteria: ACMG Guidelines, 2015. Collection method: clinical testing. Allele origin: germline. Affected: yes.

NM_001347721.2(DYRK1A):c.2071G>A (p.Val691Ile)

Gene: DYRK1A (dual specificity tyrosine phosphorylation regulated kinase 1A; plus strand). Cytogenetic location: 21q22.13.
Variant type: single nucleotide variant.
Coding change: c.2071G>A on transcript NM_001347721.2 (MANE Select); coding-DNA position 2071, G replaced by A.
Protein change: p.Val691Ile; replaces valine 691 with isoleucine.
Molecular consequence: missense variant. On other transcripts: 3 prime UTR variant (2).
Genome position (GRCh38, 1-based): chr21:37,512,337, G>A. VCF-style: chr21-37512337-G-A. GRCh37 (hg19) VCF-style: chr21-38884640-G-A.
Other names: c.2071G>A, p.Val691Ile (NM_001347722.2, NM_130436.2); c.1984G>A, p.Val662Ile (NM_001347723.2); c.2098G>A, p.Val700Ile (NM_001396.5); c.*474G>A (NM_101395.2); c.*383G>A (NM_130438.2); c.2098G>A (NM_001396.4); short protein forms V662I, V691I, V700I.
Identifiers: ClinVar variation 1167328 (VCV001167328.11), dbSNP rs540559440, ClinGen allele CA10024158.